The following is an entry in ClinVar:

NM_015102.5(NPHP4):c.3104C>T (p.Pro1035Leu)

Gene: NPHP4 (nephrocystin 4; minus strand). Cytogenetic location: 1p36.31.
Variant type: single nucleotide variant.
Coding change: c.3104C>T on transcript NM_015102.5 (MANE Select); coding-DNA position 3104, C replaced by T.
Protein change: p.Pro1035Leu; replaces proline 1035 with leucine.
Molecular consequence: missense variant. On other transcripts: non-coding transcript variant (1).
Genome position (GRCh38, 1-based): chr1:5,874,598, G>A on the plus strand (C>T on the coding strand, the complement: NPHP4 is on the minus strand). VCF-style: chr1-5874598-G-A. GRCh37 (hg19) VCF-style: chr1-5934658-G-A.
Other names: c.3104C>T (NM_015102.3); c.1565C>T, p.Pro522Leu (NM_001291593.2); c.1568C>T, p.Pro523Leu (NM_001291594.2); short protein forms P1035L, P522L, P523L.
Identifiers: ClinVar variation 958024 (VCV000958024.7), dbSNP rs376508978, ClinGen allele CA553795.

ClinVar aggregate classification (germline): Uncertain significance. Review status: criteria provided, multiple submitters, no conflicts (2 of 4 stars). 5 submissions from 5 submitters: Uncertain significance (5). Last evaluated 2024-06-16.

Conditions:
Inborn genetic diseases. Identifiers: MedGen C0950123, MeSH D030342.
NPHP4-related disorder. Also called: NPHP4-related disorders; NPHP4-related condition. Identifiers: MedGen CN239384.
Nephronophthisis. Also called: Juvenile Nephronophthisis. Identifiers: Orphanet 655, MedGen C0687120, MONDO:0019005, HP:0000090.
Nephronophthisis 4 (NPHP4). Also called: NEPHRONOPHTHISIS 4, JUVENILE. Identifiers: Orphanet 655, MedGen C1847013, MONDO:0011752, OMIM 606966.
Senior-Loken syndrome 4 (SLSN4). Identifiers: Orphanet 3156, MedGen C1846979, MONDO:0011756, OMIM 606996.

Allele frequency attached by ClinVar (database versions not stated): gnomAD exomes 0.00003 and 0.00006; ExAC 0.00005; gnomAD 0.00005 and 0.00006; TOPMed 0.00005; ESP Exome Variant Server 0.00008.
gnomAD v4.1: 58 of 1,611,456 alleles (0.0036%); highest among the groups gnomAD compares: African/African-American, 0.0094%; no homozygotes.

Submissions (5):

Ambry Genetics
Classification: Uncertain significance for Inborn genetic diseases. Last evaluated: 2024-06-16. Review status: criteria provided, single submitter. Criteria: Ambry Variant Classification Scheme 2023. Collection method: clinical testing. Allele origin: germline.

PreventionGenetics, part of Exact Sciences
Classification: Uncertain significance for NPHP4-related condition. Last evaluated: 2023-03-07. Review status: criteria provided, single submitter. Criteria: ACMG Guidelines, 2015. Collection method: clinical testing. Allele origin: germline.
Comment: The NPHP4 c.3104C>T variant is predicted to result in the amino acid substitution p.Pro1035Leu. To our knowledge, this variant has not been reported in the literature. This variant is reported in 0.028% of alleles in individuals of African descent in gnomAD. At this time, the clinical significance of this variant is uncertain due to the absence of conclusive functional and genetic evidence.

Labcorp Genetics (formerly Invitae), Labcorp
Classification: Uncertain significance for Nephronophthisis. Last evaluated: 2022-10-20. Review status: criteria provided, single submitter. Criteria: Invitae Variant Classification Sherloc (09022015). Collection method: clinical testing. Allele origin: germline.
Comment: This sequence change replaces proline, which is neutral and non-polar, with leucine, which is neutral and non-polar, at codon 1035 of the NPHP4 protein (p.Pro1035Leu). This variant is present in population databases (rs376508978, gnomAD 0.02%). This variant has not been reported in the literature in individuals affected with NPHP4-related conditions. ClinVar contains an entry for this variant (Variation ID: 958024). Advanced modeling of protein sequence and biophysical properties (such as structural, functional, and spatial information, amino acid conservation, physicochemical variation, residue mobility, and thermodynamic stability) performed at Invitae indicates that this missense variant is expected to disrupt NPHP4 protein function. In summary, the available evidence is currently insufficient to determine the role of this variant in disease. Therefore, it has been classified as a Variant of Uncertain Significance.

Blueprint Genetics
Classification: Uncertain significance. Last evaluated: 2022-09-26. Review status: criteria provided, single submitter. Criteria: ACMG Guidelines, 2015. Collection method: clinical testing. Allele origin: germline.

Fulgent Genetics
Classification: Uncertain significance for Nephronophthisis 4; Senior-Loken syndrome 4. Last evaluated: 2022-01-03. Review status: criteria provided, single submitter. Criteria: ACMG Guidelines, 2015. Collection method: clinical testing. Allele origin: unknown.